The following is an entry in ClinVar:

ClinVar aggregate classification (germline): Pathogenic/Likely pathogenic. Review status: criteria provided, multiple submitters, no conflicts (2 of 4 stars). 6 submissions from 5 submitters: Pathogenic (5); Likely pathogenic (1). Last evaluated 2025-03-21.

Conditions:
DSP-related disorder. Also called: DSP-related condition; DSP-related disorders.
Cardiovascular phenotype. Identifiers: MedGen CN230736.
Arrhythmogenic right ventricular cardiomyopathy (ARVD). Also called: Arrhythmogenic Right Ventricular Cardiomyopathy (ARVC); Arrhythmogenic right ventricular dysplasia; Cardiomyopathy, ARVC; Arrhythmogenic cardiomyopathy. Identifiers: Orphanet 247, MedGen C0349788, MeSH D019571, MONDO:0016587. Disease mechanism: loss of function. Inheritance: Various modes of inheritance.
Primary dilated cardiomyopathy (DCM). Also called: Dilated Cardiomyopathy. Identifiers: Orphanet 217604, MedGen C0007193, MeSH D002311, MONDO:0005021, HP:0001644. Inheritance: Various modes of inheritance.
Arrhythmogenic right ventricular dysplasia 8 (ARVD8). Also called: Arrhythmogenic Right Ventricular Dysplasia/Cardiomyopathy 8; ARRHYTHMOGENIC RIGHT VENTRICULAR DYSPLASIA, FAMILIAL, 8; ARRHYTHMOGENIC RIGHT VENTRICULAR CARDIOMYOPATHY 8. Identifiers: MedGen C1843896, MONDO:0011831, OMIM 607450.
Arrhythmogenic cardiomyopathy with wooly hair and keratoderma. Also called: Carvajal syndrome; Dilated cardiomyopathy with woolly hair and keratoderma; Arrhythmogenic cardiomyopathy with woolly hair and keratoderma; PALMOPLANTAR KERATODERMA WITH LEFT VENTRICULAR CARDIOMYOPATHY AND WOOLLY HAIR. Identifiers: Orphanet 65282, MedGen C1854063, MONDO:0011581, OMIM 605676.
Cardiomyopathy (CMYO). Also called: Cardiomyopathies. Identifiers: Orphanet 167848, MedGen C0878544, MONDO:0004994, HP:0001638. Inheritance: Various modes of inheritance.

Allele frequency attached by ClinVar (database versions not stated): TOPMed below 0.00001; gnomAD 0.00001; gnomAD exomes 0.00001.

Submissions (6):

Labcorp Genetics (formerly Invitae), Labcorp
Classification: Pathogenic for Arrhythmogenic cardiomyopathy with wooly hair and keratoderma; Arrhythmogenic right ventricular dysplasia 8. Last evaluated: 2025-03-21. Review status: criteria provided, single submitter. Criteria: Invitae Variant Classification Sherloc (09022015). Collection method: clinical testing. Allele origin: germline.
Comment: This sequence change creates a premature translational stop signal (p.Thr1436Leufs*2) in the DSP gene. It is expected to result in an absent or disrupted protein product. Loss-of-function variants in DSP are known to be pathogenic (PMID: 20716751, 24503780, 25227139). This variant is not present in population databases (gnomAD no frequency). This variant has not been reported in the literature in individuals affected with DSP-related conditions. ClinVar contains an entry for this variant (Variation ID: 464963). For these reasons, this variant has been classified as Pathogenic.

Blueprint Genetics
Classification: Pathogenic for DSP-related disorders. Last evaluated: 2024-04-11. Review status: criteria provided, single submitter. Criteria: ACMG Guidelines, 2015. Collection method: clinical testing. Allele origin: germline. Affected: yes. Observed: 3 variant alleles.

Ambry Genetics
Classification: Pathogenic for Cardiovascular phenotype. Last evaluated: 2024-01-22. Review status: criteria provided, single submitter. Criteria: Ambry Variant Classification Scheme 2023. Collection method: clinical testing. Allele origin: germline.
Comment: The c.4305_4309delCACTG (p.T1436Lfs*2) alteration, located in exon 23 (coding exon 23) of the DSP gene, consists of a deletion of 5 nucleotides from position 4305 to 4309, causing a translational frameshift with a predicted alternate stop codon after 2 amino acids. This alteration is expected to result in loss of function by premature protein truncation or nonsense-mediated mRNA decay. This variant was not reported in population-based cohorts in the Genome Aggregation Database (gnomAD). Alterations in DSP that result in haploinsufficiency or protein truncation have been reported in patients with arrhythmogenic right ventricular cardiomyopathy (ARVC) and dilated cardiomyopathy (DCM) (Fressart, 2010; Elliott, 2010; Quarta, 2011; Garcia-Pavia, 2011; Rasmussen, 2013; Pugh, 2014). Based on the available evidence, this alteration is classified as pathogenic.

Color Diagnostics, LLC DBA Color Health
Classification: Pathogenic for Cardiomyopathy. Last evaluated: 2019-03-11. Review status: criteria provided, single submitter. Criteria: ACMG Guidelines, 2015. Collection method: clinical testing. Allele origin: germline.
Comment: This variant deletes 5 nucleotides in exon 23 of the DSP gene, creating a frameshift and premature translation stop signal. This variant is expected to result in an absent or non-functional protein product. To our knowledge, functional assays have not been performed for this variant nor has this variant been reported in individuals affected with cardiovascular disorders in the literature. This variant has not been identified in the general population by the Genome Aggregation Database (gnomAD). Loss of DSP function is a known mechanism of disease. Based on available evidence, this variant is classified as Pathogenic.

Laboratory for Molecular Medicine, Mass General Brigham Personalized Medicine
Classification: Likely pathogenic for Arrhythmogenic right ventricular cardiomyopathy; Primary dilated cardiomyopathy. Last evaluated: 2017-06-08. Review status: criteria provided, single submitter. Criteria: LMM Criteria. Collection method: clinical testing. Allele origin: germline. Inheritance: Autosomal dominant inheritance. Observed: 1 variant allele.
Comment: The p.Thr1436fs variant in DSP has not been previously reported in individuals w ith cardiomyopathy or large population studies. This variant is located within e xon 23 of DSP which undergoes alternative splicing resulting in two isoforms: on e with a shorter and one with a longer form of this exon. This variant is only l ocated in the coding region of the longer isoform. In that transcript, this vari ant is predicted to cause a frameshift, which alters the protein?s amino acid se quence beginning at position 1436 and leads to a premature termination codon 2 a mino acids downstream. This alteration is then predicted to cause a truncated or absent protein. Loss-of-function variants in the longer form of exon 23 have be en observed in individuals with ARVC and/or DCM, suggesting that loss-of-functio n variants in this region are likely to be disease causing (LMM data). In summar y, although additional studies are required to fully establish its clinical sign ificance, the p.Thr1436fs variant is likely pathogenic.

Labcorp Genetics (formerly Invitae), Labcorp
Classification: Pathogenic for Arrhythmogenic right ventricular dysplasia 8. Last evaluated: 2017-04-27. Review status: criteria provided, single submitter. Criteria: Invitae Variant Classification Sherloc (09022015). Collection method: clinical testing. Allele origin: germline.
Comment: This sequence change deletes 5 nucleotides from exon 23 of the DSP mRNA (c.4305_4309delCACTG), causing a frameshift at codon 1436. This creates a premature translational stop signal (p.Thr1436Leufs*2) and is expected to result in an absent or disrupted protein product. While this particular variant has not been reported in the literature, loss-of-function variants in DSP are known to be pathogenic (PMID: 16061754, 20716751, 24503780). For these reasons, this variant has been classified as Pathogenic.

Literature cited by the submitters: PubMed 20716751 (cited by Labcorp Genetics (formerly Invitae), Labcorp and Ambry Genetics); PubMed 24503780 (cited by Labcorp Genetics (formerly Invitae), Labcorp and Ambry Genetics); PubMed 25227139 (cited by Labcorp Genetics (formerly Invitae), Labcorp); PubMed 20400443 (cited by Ambry Genetics); PubMed 21606390 (cited by Ambry Genetics); PubMed 21859740 (cited by Ambry Genetics); PubMed 23137101 (cited by Ambry Genetics).

NM_004415.4(DSP):c.4305_4309del (p.Thr1436fs)

Gene: DSP (desmoplakin; plus strand). Cytogenetic location: 6p24.3.
Variant type: Deletion.
Coding change: c.4305_4309del on transcript NM_004415.4 (MANE Select); coding-DNA positions 4305 to 4309, 5 bases deleted (CACTG; older notation c.4305_4309delCACTG).
Protein change: p.Thr1436fs; shifts the reading frame from threonine 1436.
Molecular consequence: frameshift variant. On other transcripts: intron variant (2).
Genome position (GRCh38, 1-based): chr6:7,580,495-7,580,499, CACTG deleted. VCF-style (leftmost placement, unchanged base first): chr6-7580494-CCACTG-C. GRCh37 (hg19) VCF-style: chr6-7580727-CCACTG-C.
Other names: c.4305_4309del (LRG_423t1, NM_004415.2); c.4050+255_4050+259del (NM_001319034.2); c.3582+723_3582+727del (NM_001008844.3); short protein forms T1436fs.
Identifiers: ClinVar variation 464963 (VCV000464963.13), dbSNP rs1554108287, ClinGen allele CA658655954.